The following is an entry in ClinVar:

ClinVar aggregate classification (germline): Uncertain significance (1 of 4 stars; one submission).

Conditions:
Neuroblastoma, susceptibility to, 3. Also called: ALK-Related Neuroblastic Tumor Susceptibility. Identifiers: Orphanet 635, MedGen C2751681, MONDO:0013083, OMIM 613014.

gnomAD v4.1: 1 of 1,614,228 alleles (0.000062%); highest among the groups gnomAD compares: South Asian, 0.0011%; no homozygotes.

Submission:

Labcorp Genetics (formerly Invitae), Labcorp
Classification: Uncertain significance for Neuroblastoma, susceptibility to, 3. Last evaluated: 2021-04-14. Review status: criteria provided, single submitter. Criteria: Invitae Variant Classification Sherloc (09022015). Collection method: clinical testing. Allele origin: germline.
Comment: This variant has not been reported in the literature in individuals with ALK-related conditions. In summary, the available evidence is currently insufficient to determine the role of this variant in disease. Therefore, it has been classified as a Variant of Uncertain Significance. Algorithms developed to predict the effect of missense changes on protein structure and function (SIFT, PolyPhen-2, Align-GVGD) all suggest that this variant is likely to be tolerated, but these predictions have not been confirmed by published functional studies and their clinical significance is uncertain. This variant is not present in population databases (ExAC no frequency). This sequence change replaces valine with leucine at codon 1492 of the ALK protein (p.Val1492Leu). The valine residue is weakly conserved and there is a small physicochemical difference between valine and leucine.

NM_004304.5(ALK):c.4474G>C (p.Val1492Leu)

Gene: ALK (ALK receptor tyrosine kinase; minus strand). Cytogenetic location: 2p23.2.
Variant type: single nucleotide variant.
Coding change: c.4474G>C on transcript NM_004304.5 (MANE Select); coding-DNA position 4474, G replaced by C.
Protein change: p.Val1492Leu; replaces valine 1492 with leucine.
Molecular consequence: missense variant.
Genome position (GRCh38, 1-based): chr2:29,193,613, C>G on the plus strand (G>C on the coding strand, the complement: ALK is on the minus strand). VCF-style: chr2-29193613-C-G. GRCh37 (hg19) VCF-style: chr2-29416479-C-G.
Other names: c.1270G>C, p.Val424Leu (NM_001353765.2); short protein forms V424L, V1492L.
Identifiers: ClinVar variation 1415175 (VCV001415175.8), dbSNP rs567438064, ClinGen allele CA346461964.